The following is an entry in ClinVar:

ClinVar aggregate classification (germline): Uncertain significance (1 of 4 stars; one submission).

Conditions:
Inborn genetic diseases. Identifiers: MedGen C0950123, MeSH D030342.

gnomAD v4.1: 1 of 1,614,124 alleles (0.000062%); highest among the groups gnomAD compares: Non-Finnish European, 0.000085%; no homozygotes.

Submission:

Ambry Genetics
Classification: Uncertain significance for Inborn genetic diseases. Last evaluated: 2025-07-06. Review status: criteria provided, single submitter. Criteria: Ambry Variant Classification Scheme 2023. Collection method: clinical testing. Allele origin: germline.
Comment: The p.C465F variant (also known as c.1394G>T), located in coding exon 15 of the FANCA gene, results from a G to T substitution at nucleotide position 1394. The cysteine at codon 465 is replaced by phenylalanine, an amino acid with highly dissimilar properties. This amino acid position is conserved. In addition, the in silico prediction for this alteration is inconclusive. Based on the available evidence, the clinical significance of this variant remains unclear.

NM_000135.4(FANCA):c.1394G>T (p.Cys465Phe)

Gene: FANCA (FA complementation group A; minus strand). Cytogenetic location: 16q24.3.
Variant type: single nucleotide variant.
Coding change: c.1394G>T on transcript NM_000135.4 (MANE Select); coding-DNA position 1394, G replaced by T.
Protein change: p.Cys465Phe; replaces cysteine 465 with phenylalanine.
Molecular consequence: missense variant.
Genome position (GRCh38, 1-based): chr16:89,784,930, C>A on the plus strand (G>T on the coding strand, the complement: FANCA is on the minus strand). VCF-style: chr16-89784930-C-A. GRCh37 (hg19) VCF-style: chr16-89851338-C-A.
Other names: c.1394G>T, p.Cys465Phe (NM_001286167.3); short protein forms C465F.
Identifiers: ClinVar variation 4254184 (VCV004254184.1).
Genomic context (GRCh38, chr16:89,784,930, plus strand): 5'-GACTCAAAAGGCACGAGTTCTGACAAGAACGTAAACAGGAAGACCAGGGCCTTCTTGCTG[C>A]AGCCATGGTAGCCTCGTGTGCTCCCAAAGGAGGCCTGTGTGGAGAGAAGAGCGTGAAGCC-3'
Protein context (NP_000126.2, residues 455-475): SFGSTRGYHG[Cys465Phe]SKKALVFLFT